The following is an entry in ClinVar:

NM_006031.6(PCNT):c.8635C>T (p.His2879Tyr)

Gene: PCNT (pericentrin; plus strand). Cytogenetic location: 21q22.3.
Variant type: single nucleotide variant.
Coding change: c.8635C>T on transcript NM_006031.6 (MANE Select); coding-DNA position 8635, C replaced by T.
Protein change: p.His2879Tyr; replaces histidine 2879 with tyrosine.
Molecular consequence: missense variant. On other transcripts: intron variant (1).
Genome position (GRCh38, 1-based): chr21:46,432,099, C>T. VCF-style: chr21-46432099-C-T. GRCh37 (hg19) VCF-style: chr21-47852013-C-T.
Other names: c.8160+121C>T (NM_001315529.2); short protein forms H2879Y.
Identifiers: ClinVar variation 3352914 (VCV003352914.2).

ClinVar aggregate classification (germline): Uncertain significance (1 of 4 stars; one submission).

Conditions:
PCNT-related disorder. Also called: PCNT-related condition.

gnomAD v4.1: 5 of 1,614,140 alleles (0.00031%); highest among the groups gnomAD compares: East Asian, 0.0022%; no homozygotes.

Submission:

PreventionGenetics, part of Exact Sciences
Classification: Uncertain significance for PCNT-related condition. Last evaluated: 2026-04-27. Review status: criteria provided, single submitter. Criteria: ACMG Guidelines, 2015. Collection method: clinical testing. Allele origin: germline.
Comment: The PCNT c.8635C>T variant is predicted to result in the amino acid substitution p.His2879Tyr. To our knowledge, this variant has not been reported in the literature. This variant is reported in 0.00088% of alleles in individuals of European (Non-Finnish) descent in gnomAD. At this time, the clinical significance of this variant is uncertain due to the absence of conclusive functional and genetic evidence.